The following is an entry in ClinVar:

ClinVar aggregate classification (germline): Uncertain significance (1 of 4 stars; one submission).

Submission:

Labcorp Genetics (formerly Invitae), Labcorp
Classification: Uncertain significance. Last evaluated: 2023-05-22. Review status: criteria provided, single submitter. Criteria: Invitae Variant Classification Sherloc (09022015). Collection method: clinical testing. Allele origin: germline.
Comment: In summary, the available evidence is currently insufficient to determine the role of this variant in disease. Therefore, it has been classified as a Variant of Uncertain Significance. Advanced modeling of protein sequence and biophysical properties (such as structural, functional, and spatial information, amino acid conservation, physicochemical variation, residue mobility, and thermodynamic stability) performed at Invitae indicates that this missense variant is expected to disrupt SEPSECS protein function. ClinVar contains an entry for this variant (Variation ID: 1063904). This variant has not been reported in the literature in individuals affected with SEPSECS-related conditions. This variant is not present in population databases (gnomAD no frequency). This sequence change replaces serine, which is neutral and polar, with proline, which is neutral and non-polar, at codon 81 of the SEPSECS protein (p.Ser81Pro).

NM_016955.4(SEPSECS):c.241T>C (p.Ser81Pro)

Gene: SEPSECS (Sep (O-phosphoserine) tRNA:Sec (selenocysteine) tRNA synthase; minus strand). Cytogenetic location: 4p15.2.
Variant type: single nucleotide variant.
Coding change: c.241T>C on transcript NM_016955.4 (MANE Select); coding-DNA position 241, T replaced by C.
Protein change: p.Ser81Pro; replaces serine 81 with proline.
Molecular consequence: missense variant.
Genome position (GRCh38, 1-based): chr4:25,158,981, A>G on the plus strand (T>C on the coding strand, the complement: SEPSECS is on the minus strand). VCF-style: chr4-25158981-A-G. GRCh37 (hg19) VCF-style: chr4-25160603-A-G.
Other names: short protein forms S81P.
Identifiers: ClinVar variation 1063904 (VCV001063904.9), dbSNP rs2109039012, ClinGen allele CA356543289.
Genomic context (GRCh38, chr4:25,158,981, plus strand): 5'-ATGTATCTCCTGTACTACTTAAAAAAAGATACCTGTAATGACGACGAGCAACCAGTGCGG[A>G]TGCCACTCTCCCTTCCCTTTCTCCCACACCACAATTGCCTAAGAAATTGTTGCTGTCCAT-3'
Protein context (NP_058651.3, residues 71-91): GVGEREGRVA[Ser81Pro]ALVARRHYRF